The following is an entry in ClinVar:

NM_138295.5(PKD1L1):c.5874C>T (p.Thr1958=)

Gene: PKD1L1 (polycystin 1 like 1, transient receptor potential channel interacting; minus strand). Cytogenetic location: 7p12.3.
Variant type: single nucleotide variant.
Coding change: c.5874C>T on transcript NM_138295.5 (MANE Select); coding-DNA position 5874, C replaced by T.
Protein change: p.Thr1958=; no amino-acid change (threonine 1958 retained).
Molecular consequence: synonymous variant.
Genome position (GRCh38, 1-based): chr7:47,836,990, G>A on the plus strand (C>T on the coding strand, the complement: PKD1L1 is on the minus strand). VCF-style: chr7-47836990-G-A. GRCh37 (hg19) VCF-style: chr7-47876588-G-A.
Identifiers: ClinVar variation 3051621 (VCV003051621.2), dbSNP rs780143850, ClinGen allele CA4252693.
Genomic context (GRCh38, chr7:47,836,990, plus strand): 5'-CCCTCCAGCAGCAACCAGGGCAGTGAGACACGCGTAGACGCACAGCAGGGAGAAGGACAC[G>A]GTGAGGCGCGGCGTGTGCAGGTAGCGGCTGGAGGAGGGCCTGCTGTACACCGACAGCCAG-3'
Protein context (NP_612152.1, residues 1948-1968): SSRYLHTPRL[Thr1958=]VSFSLLCVYA

ClinVar aggregate classification (germline): Likely benign (0 of 4 stars; one submission).

Conditions:
PKD1L1-related disorder. Also called: PKD1L1-related condition.

Allele frequency attached by ClinVar (database versions not stated): ExAC 0.00002; gnomAD 0.00002; TOPMed 0.00002.
gnomAD v4.1: 14 of 1,614,088 alleles (0.00087%); highest among the groups gnomAD compares: Non-Finnish European, 0.0011%; no homozygotes.

Submission:

PreventionGenetics, part of Exact Sciences
Classification: Likely benign for PKD1L1-related condition. Last evaluated: 2022-10-27. Review status: no assertion criteria provided. Collection method: clinical testing. Allele origin: germline.
Comment: This variant is classified as likely benign based on ACMG/AMP sequence variant interpretation guidelines (Richards et al. 2015 PMID: 25741868, with internal and published modifications).